The following is an entry in ClinVar:

ClinVar aggregate classification (germline): Conflicting classifications of pathogenicity. Review status: criteria provided, conflicting classifications (1 of 4 stars). 3 submissions from 3 submitters: Uncertain significance (2); Likely benign (1). Last evaluated 2025-07-25.

Conditions:
Cardiovascular phenotype. Identifiers: MedGen CN230736.
Cardiomyopathy (CMYO). Also called: Cardiomyopathies. Identifiers: Orphanet 167848, MedGen C0878544, MONDO:0004994, HP:0001638. Inheritance: Various modes of inheritance.
Arrhythmogenic right ventricular dysplasia 10. Also called: Arrhythmogenic right ventricular dysplasia/cardiomyopathy, type 10; Arrhythmogenic Right Ventricular Dysplasia/Cardiomyopathy10; ARRHYTHMOGENIC RIGHT VENTRICULAR DYSPLASIA, FAMILIAL, 10. Identifiers: MedGen C1857777, MONDO:0012434, OMIM 610193.

Allele frequency attached by ClinVar (database versions not stated): TOPMed below 0.00001; gnomAD 0.00001; ExAC 0.00007.

Submissions (3):

Color Diagnostics, LLC DBA Color Health
Classification: Uncertain significance for Cardiomyopathy. Last evaluated: 2025-07-25. Review status: criteria provided, single submitter. Criteria: ACMG Guidelines, 2015. Collection method: clinical testing. Allele origin: germline.
Comment: This missense variant replaces aspartic acid with glutamic acid at codon 162 of the DSG2 protein. Computational prediction suggests that this variant may not impact protein structure and function. To our knowledge, functional studies have not been reported for this variant. This variant has not been reported in individuals affected with DSG2-related disorders in the literature. This variant has been identified in 9/249248 chromosomes in the general population by the Genome Aggregation Database (gnomAD). The available evidence is insufficient to determine the role of this variant in disease conclusively. Therefore, this variant is classified as a Variant of Uncertain Significance.

Ambry Genetics
Classification: Uncertain significance for Cardiovascular phenotype. Last evaluated: 2023-02-13. Review status: criteria provided, single submitter. Criteria: Ambry Variant Classification Scheme 2023. Collection method: clinical testing. Allele origin: germline.
Comment: The p.D162E variant (also known as c.486T>A), located in coding exon 5 of the DSG2 gene, results from a T to A substitution at nucleotide position 486. The aspartic acid at codon 162 is replaced by glutamic acid, an amino acid with highly similar properties. This amino acid position is conserved. In addition, this alteration is predicted to be tolerated by in silico analysis. Since supporting evidence is limited at this time, the clinical significance of this alteration remains unclear.

Labcorp Genetics (formerly Invitae), Labcorp
Classification: Likely benign for Arrhythmogenic right ventricular dysplasia 10. Last evaluated: 2019-12-07. Review status: criteria provided, single submitter. Criteria: Invitae Variant Classification Sherloc (09022015). Collection method: clinical testing. Allele origin: germline.

NM_001943.5(DSG2):c.486T>A (p.Asp162Glu)

Gene: DSG2 (desmoglein 2; plus strand). Cytogenetic location: 18q12.1.
Variant type: single nucleotide variant.
Coding change: c.486T>A on transcript NM_001943.5 (MANE Select); coding-DNA position 486, T replaced by A.
Protein change: p.Asp162Glu; replaces aspartic acid 162 with glutamic acid.
Molecular consequence: missense variant.
Genome position (GRCh38, 1-based): chr18:31,521,206, T>A. VCF-style: chr18-31521206-T-A. GRCh37 (hg19) VCF-style: chr18-29101169-T-A.
Other names: c.486T>A (NM_001943.3); short protein forms D162E.
Identifiers: ClinVar variation 1106898 (VCV001106898.8), dbSNP rs756239722, ClinGen allele CA049037.
Genomic context (GRCh38, chr18:31,521,206, plus strand): 5'-CTTAGAGCTACGCATTAAGGTTCTTGATATCAATGACAACGAACCAGTGTTCACACAGGA[T>A]GTCTTTGTTGGGTCTGTTGAAGAGTTGAGTGCAGCACGTAAGAGTCTTTTTTTTTTTTTT-3'
Protein context (NP_001934.2, residues 152-172): INDNEPVFTQ[Asp162Glu]VFVGSVEELS